The following is an entry in ClinVar:

ClinVar aggregate classification (germline): Uncertain significance (1 of 4 stars; one submission).

Submission:

CeGaT Center for Human Genetics Tuebingen
Classification: Uncertain significance. Last evaluated: 2026-06-01. Review status: criteria provided, single submitter. Criteria: CeGaT Center For Human Genetics Tuebingen Variant Classification Criteria Version 2. Collection method: clinical testing. Allele origin: germline. Affected: yes. Observed: 1 variant allele.
Comment: DYNC2H1: PM2, PP3

NM_001377.3(DYNC2H1):c.8962G>A (p.Ala2988Thr)

Gene: DYNC2H1 (dynein cytoplasmic 2 heavy chain 1; plus strand). Cytogenetic location: 11q22.3.
Variant type: single nucleotide variant.
Coding change: c.8962G>A on transcript NM_001377.3 (MANE Select); coding-DNA position 8962, G replaced by A.
Protein change: p.Ala2988Thr; replaces alanine 2988 with threonine.
Molecular consequence: missense variant.
Genome position (GRCh38, 1-based): chr11:103,220,638, G>A. VCF-style: chr11-103220638-G-A. GRCh37 (hg19) VCF-style: chr11-103091367-G-A.
Other names: c.8962G>A, p.Ala2988Thr (NM_001080463.2); short protein forms A2988T.
Identifiers: ClinVar variation 5039962 (VCV005039962.1).